The following is an entry in ClinVar:

ClinVar aggregate classification (germline): Uncertain significance (1 of 4 stars; one submission).

Conditions:
Congenital myotonia, autosomal dominant form (THD). Also called: THOMSEN DISEASE; Myotonia congenita autosomal dominant. Identifiers: Orphanet 614, MedGen C2936781, MONDO:0008055, OMIM 160800.
Congenital myotonia, autosomal recessive form. Also called: Becker Generalized Myotonia; myotonia congenita, autosomal recessive; BECKER DISEASE. Identifiers: Orphanet 614, MedGen C0751360, MONDO:0009715, OMIM 255700.

Allele frequency attached by ClinVar (database versions not stated): gnomAD exomes below 0.00001 and 0.00001; ExAC 0.00001; TOPMed 0.00002; gnomAD 0.00003.
gnomAD v4.1: 16 of 1,614,120 alleles (0.00099%); highest among the groups gnomAD compares: Non-Finnish European, 0.0014%; no homozygotes.

Submission:

Labcorp Genetics (formerly Invitae), Labcorp
Classification: Uncertain significance for Congenital myotonia, autosomal recessive form; Congenital myotonia, autosomal dominant form. Last evaluated: 2019-12-04. Review status: criteria provided, single submitter. Criteria: Invitae Variant Classification Sherloc (09022015). Collection method: clinical testing. Allele origin: germline.
Comment: In summary, the available evidence is currently insufficient to determine the role of this variant in disease. Therefore, it has been classified as a Variant of Uncertain Significance. Algorithms developed to predict the effect of missense changes on protein structure and function are either unavailable or do not agree on the potential impact of this missense change (SIFT: "Tolerated"; PolyPhen-2: "Possibly Damaging"; Align-GVGD: "Class C0"). This variant has not been reported in the literature in individuals with CLCN1-related conditions. This variant is present in population databases (rs752494680, ExAC 0.002%). This sequence change replaces cysteine with arginine at codon 815 of the CLCN1 protein (p.Cys815Arg). The cysteine residue is moderately conserved and there is a large physicochemical difference between cysteine and arginine.

NM_000083.3(CLCN1):c.2443T>C (p.Cys815Arg)

Gene: CLCN1 (chloride voltage-gated channel 1; plus strand). Cytogenetic location: 7q34.
Variant type: single nucleotide variant.
Coding change: c.2443T>C on transcript NM_000083.3 (MANE Select); coding-DNA position 2443, T replaced by C.
Protein change: p.Cys815Arg; replaces cysteine 815 with arginine.
Molecular consequence: missense variant. On other transcripts: non-coding transcript variant (1).
Genome position (GRCh38, 1-based): chr7:143,350,411, T>C. VCF-style: chr7-143350411-T-C. GRCh37 (hg19) VCF-style: chr7-143047504-T-C.
Other names: short protein forms C815R.
Identifiers: ClinVar variation 846831 (VCV000846831.9), dbSNP rs752494680, ClinGen allele CA4537690.